The following is an entry in ClinVar:

ClinVar aggregate classification (germline): Uncertain significance (0 of 4 stars; one submission).

Conditions:
KIDINS220-related disorder. Also called: KIDINS220-related condition.

gnomAD v4.1: 6 of 1,600,274 alleles (0.00037%); highest among the groups gnomAD compares: African/African-American, 0.0067%; no homozygotes.

Submission:

PreventionGenetics, part of Exact Sciences
Classification: Uncertain significance for KIDINS220-related condition. Last evaluated: 2024-07-15. Review status: no assertion criteria provided. Collection method: clinical testing. Allele origin: germline.
Comment: The KIDINS220 c.3514C>A variant is predicted to result in the amino acid substitution p.Gln1172Lys. To our knowledge, this variant has not been reported in the literature or in a large population database, indicating this variant is rare. At this time, the clinical significance of this variant is uncertain due to the absence of conclusive functional and genetic evidence.

NM_020738.4(KIDINS220):c.3514C>A (p.Gln1172Lys)

Gene: KIDINS220 (kinase D interacting substrate 220; minus strand). Cytogenetic location: 2p25.1.
Variant type: single nucleotide variant.
Coding change: c.3514C>A on transcript NM_020738.4 (MANE Select); coding-DNA position 3514, C replaced by A.
Protein change: p.Gln1172Lys; replaces glutamine 1172 with lysine.
Molecular consequence: missense variant. On other transcripts: non-coding transcript variant (1), intron variant (8).
Genome position (GRCh38, 1-based): chr2:8,747,901, G>T on the plus strand (C>A on the coding strand, the complement: KIDINS220 is on the minus strand). VCF-style: chr2-8747901-G-T. GRCh37 (hg19) VCF-style: chr2-8888031-G-T.
Other names: c.3517C>A, p.Gln1173Lys (NM_001348729.2, NM_001348731.2); c.3514C>A, p.Gln1172Lys (NM_001348732.2, NM_001348738.2); c.3414+2211C>A (NM_001348741.2, NM_001348742.2, NM_001348743.2 and 1 more transcripts); c.3417+2211C>A (NM_001348739.2, NM_001348740.2, NM_001348734.2); c.3288+2211C>A (NM_001348736.2); short protein forms Q1172K, Q1173K.
Identifiers: ClinVar variation 3354147 (VCV003354147.1).